The following is an entry in ClinVar:

NM_020247.5(COQ8A):c.583C>T (p.Gln195Ter)

Gene: COQ8A (coenzyme Q8A; plus strand). Cytogenetic location: 1q42.13.
Variant type: single nucleotide variant.
Coding change: c.583C>T on transcript NM_020247.5 (MANE Select); coding-DNA position 583, C replaced by T.
Protein change: p.Gln195Ter; replaces glutamine 195 with a stop codon.
Molecular consequence: nonsense.
Genome position (GRCh38, 1-based): chr1:226,965,405, C>T. VCF-style: chr1-226965405-C-T. GRCh37 (hg19) VCF-style: chr1-227153106-C-T.
Other names: short protein forms Q195*.
Identifiers: ClinVar variation 4986007 (VCV004986007.1).

ClinVar aggregate classification (germline): Likely pathogenic (1 of 4 stars; one submission).

Conditions:
COQ8A-related disorder. Also called: COQ8A-related condition.

gnomAD v4.1: 1 of 1,608,804 alleles (0.000062%); highest among the groups gnomAD compares: Non-Finnish European, 0.000085%; no homozygotes.

Submission:

PreventionGenetics, part of Exact Sciences
Classification: Likely pathogenic for COQ8A-related condition. Last evaluated: 2025-08-19. Review status: criteria provided, single submitter. Criteria: ACMG Guidelines, 2015. Collection method: clinical testing. Allele origin: germline.
Comment: The COQ8A c.583C>T variant is predicted to result in premature protein termination (p.Gln195*). To our knowledge, this variant has not been reported in the literature or in a large population database (gnomAD), indicating this variant is rare. Nonsense variants in COQ8A are expected to be pathogenic. This variant is interpreted as likely pathogenic.